The following is an entry in ClinVar:

NM_005902.4(SMAD3):c.344T>C (p.Met115Thr)

Gene: SMAD3 (SMAD family member 3; plus strand). Cytogenetic location: 15q22.33.
Variant type: single nucleotide variant.
Coding change: c.344T>C on transcript NM_005902.4 (MANE Select); coding-DNA position 344, T replaced by C.
Protein change: p.Met115Thr; replaces methionine 115 with threonine.
Molecular consequence: missense variant.
Genome position (GRCh38, 1-based): chr15:67,165,032, T>C. VCF-style: chr15-67165032-T-C. GRCh37 (hg19) VCF-style: chr15-67457370-T-C.
Other names: c.29T>C, p.Met10Thr (NM_001407016.1, NM_001145102.2, NM_001407015.1); c.212T>C, p.Met71Thr (NM_001145103.2); c.344T>C, p.Met115Thr (NM_001407011.1, NM_001407012.1, NM_001407013.1); c.197T>C, p.Met66Thr (NM_001407014.1); short protein forms M10T, M115T, M66T, M71T.
Identifiers: ClinVar variation 3073726 (VCV003073726.2), dbSNP rs767284328, ClinGen allele CA062148.
Genomic context (GRCh38, chr15:67,165,032, plus strand): 5'-CAGACCTGCACAGCCACCACGAGCTACGGGCCATGGAGCTGTGTGAGTTCGCCTTCAATA[T>C]GAAGAAGGACGAGGTCTGCGTGAATCCCTACCACTACCAGAGAGTAGAGACACCAGGTAT-3'
Protein context (NP_005893.1, residues 105-125): AMELCEFAFN[Met115Thr]KKDEVCVNPY

ClinVar aggregate classification (germline): Uncertain significance (1 of 4 stars; one submission).

Conditions:
Aneurysm-osteoarthritis syndrome. Also called: SMAD3-Related Loeys-Dietz Syndrome; ANEURYSMS-OSTEOARTHRITIS SYNDROME; Loeys-Dietz syndrome, type 1C; LOEYS-DIETZ SYNDROME WITH OSTEOARTHRITIS. Identifiers: Orphanet 284984, MedGen C3151087, MONDO:0013426, OMIM 613795.

Allele frequency attached by ClinVar (database versions not stated): ExAC 0.00001; gnomAD exomes 0.00001.

Submission:

All of Us Research Program, National Institutes of Health
Classification: Uncertain significance for Aneurysm-osteoarthritis syndrome. Last evaluated: 2024-09-23. Review status: criteria provided, single submitter. Criteria: ACMG Guidelines, 2015. Collection method: clinical testing. Allele origin: germline. Inheritance: Autosomal dominant inheritance. Observed: 3 variant alleles, 3 heterozygotes.
Comment: This missense variant replaces methionine with threonine at codon 115 of the SMAD3 protein. Computational prediction suggests that this variant may not impact protein structure and function (internally defined REVEL score threshold <= 0.5, PMID: 27666373). To our knowledge, functional studies have not been reported for this variant. This variant has not been reported in individuals affected with SMAD3-related disorders in the literature. This variant has been identified in 1/251462 chromosomes in the general population by the Genome Aggregation Database (gnomAD). The available evidence is insufficient to determine the role of this variant in disease conclusively. Therefore, this variant is classified as a Variant of Uncertain Significance.

This study involves interpretation of variants in research participants for the purpose of population health screening. Participant phenotype was not available at the time of variant classification. Additional details can be found in publication PMID: 35346344, PMCID: PMC8962531